The following is an entry in ClinVar:

ClinVar aggregate classification (germline): Uncertain significance (1 of 4 stars; one submission).

Conditions:
Primary ciliary dyskinesia. Also called: Ciliary dyskinesia. Identifiers: Orphanet 244, MedGen C0008780, MONDO:0016575, HP:0012265.

gnomAD v4.1: 6 of 1,613,492 alleles (0.00037%); highest among the groups gnomAD compares: Middle Eastern, 0.017%; no homozygotes.

Submission:

Labcorp Genetics (formerly Invitae), Labcorp
Classification: Uncertain significance for Primary ciliary dyskinesia. Last evaluated: 2024-02-04. Review status: criteria provided, single submitter. Criteria: Invitae Variant Classification Sherloc (09022015). Collection method: clinical testing. Allele origin: germline.
Comment: This sequence change replaces arginine, which is basic and polar, with leucine, which is neutral and non-polar, at codon 1865 of the DNAH11 protein (p.Arg1865Leu). This variant is not present in population databases (gnomAD no frequency). This variant has not been reported in the literature in individuals affected with DNAH11-related conditions. ClinVar contains an entry for this variant (Variation ID: 359637). Advanced modeling of protein sequence and biophysical properties (such as structural, functional, and spatial information, amino acid conservation, physicochemical variation, residue mobility, and thermodynamic stability) has been performed at Invitae for this missense variant, however the output from this modeling did not meet the statistical confidence thresholds required to predict the impact of this variant on DNAH11 protein function. Algorithms developed to predict the effect of sequence changes on RNA splicing suggest that this variant may disrupt the consensus splice site. In summary, the available evidence is currently insufficient to determine the role of this variant in disease. Therefore, it has been classified as a Variant of Uncertain Significance.

NM_001277115.2(DNAH11):c.5594G>T (p.Arg1865Leu)

Gene: DNAH11 (dynein axonemal heavy chain 11; plus strand). Cytogenetic location: 7p15.3.
Variant type: single nucleotide variant.
Coding change: c.5594G>T on transcript NM_001277115.2 (MANE Select); coding-DNA position 5594, G replaced by T.
Protein change: p.Arg1865Leu; replaces arginine 1865 with leucine.
Molecular consequence: missense variant.
Genome position (GRCh38, 1-based): chr7:21,683,917, G>T. VCF-style: chr7-21683917-G-T. GRCh37 (hg19) VCF-style: chr7-21723535-G-T.
Other names: short protein forms R1865L.
Identifiers: ClinVar variation 359637 (VCV000359637.23), dbSNP rs749869317, ClinGen allele CA10623611.
Genomic context (GRCh38, chr7:21,683,917, plus strand): 5'-TTGTTAATATTTGTGATGCCCAGTTCCAGTACTTCTATGAATACTTAGGAAACAGCCCTC[G>T]ACTAGTGATCACTCCTCTAACTGACAGGTAACAATTCAAAGTTTCCGTCCAGATAGGAAA-3'
Protein context (NP_001264044.1, residues 1855-1875): YFYEYLGNSP[Arg1865Leu]LVITPLTDRC